The following is an entry in ClinVar:

NM_003482.4(KMT2D):c.12650AGC[7] (p.Gln4220_Gln4221dup)

Gene: KMT2D (lysine methyltransferase 2D; minus strand). Cytogenetic location: 12q13.12.
Variant type: Microsatellite.
Coding change: c.12650AGC[7] on transcript NM_003482.4 (MANE Select); seven copies in a row of the 3-base unit AGC starting at c.12650; the reference has five copies in a row; two copies, 6 bases duplicated.
Protein change: p.Gln4220_Gln4221dup.
Molecular consequence: inframe insertion.
Genome position (GRCh38, 1-based): chr12:49,032,041-49,032,046, GCTGCT duplicated on the plus strand (AGCAGC on the coding strand, the reverse complement: KMT2D is on the minus strand); duplicating any 6 consecutive bases within chr12:49,032,041-49,032,056 gives the same sequence; the position shown is the placement nearest the transcript's 3' end. VCF-style (leftmost placement, unchanged base first): chr12-49032040-A-AGCTGCT. GRCh37 (hg19) VCF-style: chr12-49425823-A-AGCTGCT.
Other names: c.12659_12664dupAGCAGC (NM_003482.3).
Identifiers: ClinVar variation 422923 (VCV000422923.5), dbSNP rs754290613, ClinGen allele CA16619535.

ClinVar aggregate classification (germline): Uncertain significance. Review status: criteria provided, multiple submitters, no conflicts (2 of 4 stars). 2 submissions from 2 submitters: Uncertain significance (2). Last evaluated 2023-08-14.

Conditions:
Kabuki syndrome. Also called: NIIKAWA-KUROKI SYNDROME; Kabuki make-up syndrome. Identifiers: Orphanet 2322, MedGen C0796004, MONDO:0016512.

Submissions (2):

Labcorp Genetics (formerly Invitae), Labcorp
Classification: Uncertain significance for Kabuki syndrome. Last evaluated: 2023-08-14. Review status: criteria provided, single submitter. Criteria: Invitae Variant Classification Sherloc (09022015). Collection method: clinical testing. Allele origin: germline.
Comment: This variant, c.12659_12664dup, results in the insertion of 2 amino acid(s) of the KMT2D protein (p.Gln4220_Gln4221dup), but otherwise preserves the integrity of the reading frame. This variant is not present in population databases (gnomAD no frequency). This variant has not been reported in the literature in individuals affected with KMT2D-related conditions. ClinVar contains an entry for this variant (Variation ID: 422923). Experimental studies and prediction algorithms are not available or were not evaluated, and the functional significance of this variant is currently unknown. In summary, the available evidence is currently insufficient to determine the role of this variant in disease. Therefore, it has been classified as a Variant of Uncertain Significance.

GeneDx
Classification: Uncertain significance. Last evaluated: 2016-12-15. Review status: criteria provided, single submitter. Criteria: GeneDx Variant Classification (06012015). Collection method: clinical testing. Allele origin: germline. Affected: yes.
Comment: The c.12659_12664dupAGCAGC variant in the KMT2D gene has not been reported previously as a pathogenic variant, nor as a benign variant, to our knowledge. The c.12659_12664dupAGCAGC variant causes an in-frame duplication of two Glutamine residues starting with codon Glutamine 4220, denoted p.Gln4220_Gln4221dup. The duplicated residues are conserved across species (Gln4220) and conserved in mammals (Gln4221). The c.12659_12664dupAGCAGC variant was not observed in approximately 6,300 individuals of European and African American ancestry in the NHLBI Exome Sequencing Project, indicating it is not a common benign variant in these populations. We interpret c.12659_12664dupAGCAGC as a variant of uncertain significance.